The following is an entry in ClinVar:

ClinVar aggregate classification (germline): Benign/Likely benign. Review status: criteria provided, multiple submitters, no conflicts (2 of 4 stars). 2 submissions from 2 submitters: Benign (1); Likely benign (1). Last evaluated 2025-01-27.

Conditions:
Lynch syndrome 4 (LYNCH4). Also called: Hereditary non-polyposis colorectal cancer, type 4; Colorectal cancer, hereditary nonpolyposis, type 4. Identifiers: Orphanet 144, MedGen C1838333, MONDO:0013699, OMIM 614337. Disease mechanism: loss of function.
Hereditary nonpolyposis colorectal neoplasms. Identifiers: MedGen C0009405, MeSH D003123.

Allele frequency attached by ClinVar (database versions not stated): TOPMed below 0.00001.

Submissions (2):

Myriad Genetics, Inc.
Classification: Benign for Lynch syndrome 4. Last evaluated: 2025-01-27. Review status: criteria provided, single submitter. Criteria: Myriad Autosomal Dominant, Autosomal Recessive and X-Linked Classification Criteria (2023). Collection method: clinical testing. Allele origin: unknown.
Comment: This variant is considered benign. This variant is a silent/synonymous amino acid change and it is not expected to impact splicing.

Labcorp Genetics (formerly Invitae), Labcorp
Classification: Likely benign for Hereditary nonpolyposis colorectal neoplasms. Last evaluated: 2024-08-30. Review status: criteria provided, single submitter. Criteria: Invitae Variant Classification Sherloc (09022015). Collection method: clinical testing. Allele origin: germline.

NM_000535.7(PMS2):c.501T>G (p.Pro167=)

Gene: PMS2 (PMS1 homolog 2, mismatch repair system component; minus strand). Cytogenetic location: 7p22.1.
Variant type: single nucleotide variant.
Coding change: c.501T>G on transcript NM_000535.7 (MANE Select); coding-DNA position 501, T replaced by G.
Protein change: p.Pro167=; no amino-acid change (proline 167 retained).
Molecular consequence: synonymous variant. On other transcripts: 5 prime UTR variant (2), non-coding transcript variant (1).
Genome position (GRCh38, 1-based): chr7:6,002,489, A>C on the plus strand (T>G on the coding strand, the complement: PMS2 is on the minus strand). VCF-style: chr7-6002489-A-C. GRCh37 (hg19) VCF-style: chr7-6042120-A-C.
Other names: c.96T>G, p.Pro32= (NM_001322003.2, NM_001322004.2, NM_001322005.2 and 3 more transcripts); c.501T>G, p.Pro167= (NM_001322006.2, NM_001322014.2); c.183T>G, p.Pro61= (NM_001322007.2, NM_001322008.2); c.-384T>G (NM_001322011.2, NM_001322012.2); c.192T>G, p.Pro64= (NM_001322015.2).
Identifiers: ClinVar variation 1017472 (VCV001017472.11), dbSNP rs1554303891, ClinGen allele CA453647615.